The following is an entry in ClinVar:

NM_000540.3(RYR1):c.9585C>T (p.Ala3195=)

Gene: RYR1 (ryanodine receptor 1; plus strand). Cytogenetic location: 19q13.2.
Variant type: single nucleotide variant.
Coding change: c.9585C>T on transcript NM_000540.3 (MANE Select); coding-DNA position 9585, C replaced by T.
Protein change: p.Ala3195=; no amino-acid change (alanine 3195 retained).
Molecular consequence: synonymous variant.
Genome position (GRCh38, 1-based): chr19:38,516,117, C>T. VCF-style: chr19-38516117-C-T. GRCh37 (hg19) VCF-style: chr19-39006757-C-T.
Other names: c.9585C>T, p.Ala3195= (NM_001042723.2).
Identifiers: ClinVar variation 916240 (VCV000916240.44), dbSNP rs1970955862, ClinGen allele CA507246918.

ClinVar aggregate classification (germline): Likely benign. Review status: criteria provided, multiple submitters, no conflicts (2 of 4 stars). 3 submissions from 3 submitters: Likely benign (3). Last evaluated 2024-05-30.

Conditions:
Malignant hyperthermia, susceptibility to, 1 (MHS1). Also called: Anesthesia related hyperthermia; Malignant hyperpyrexia; Fulminating hyperpyrexia; Pharmacogenic myopathy; RYR1-Related Malignant Hyperthermia Susceptibility; Malignant hyperthermia suceptibility 1. Identifiers: Orphanet 423, MedGen C2930980, MONDO:0007783, OMIM 145600.
RYR1-related disorder. Also called: RYR1-related disorders; RYR1-related condition. Identifiers: MedGen CN239331.

Allele frequency attached by ClinVar (database versions not stated): gnomAD exomes below 0.00001.
gnomAD v4.1: 1 of 1,549,894 alleles (0.000065%); highest among the groups gnomAD compares: African/African-American, 0.0014%; no homozygotes.

Submissions (3):

All of Us Research Program, National Institutes of Health
Classification: Likely benign for Malignant hyperthermia, susceptibility to, 1. Last evaluated: 2024-05-30. Review status: criteria provided, single submitter. Criteria: ACMG Guidelines, 2015. Collection method: clinical testing. Allele origin: germline. Inheritance: Autosomal dominant inheritance. Observed: 1 variant allele, 1 heterozygote.
Comment: This study involves interpretation of variants in research participants for the purpose of population health screening. Participant phenotype was not available at the time of variant classification. Additional details can be found in publication PMID: 35346344, PMCID: PMC8962531

Labcorp Genetics (formerly Invitae), Labcorp
Classification: Likely benign for RYR1-related disorder. Last evaluated: 2023-02-21. Review status: criteria provided, single submitter. Criteria: Invitae Variant Classification Sherloc (09022015). Collection method: clinical testing. Allele origin: germline.

CeGaT Center for Human Genetics Tuebingen
Classification: Likely benign. Last evaluated: 2020-02-01. Review status: criteria provided, single submitter. Criteria: CeGaT Center For Human Genetics Tuebingen Variant Classification Criteria Version 2. Collection method: clinical testing. Allele origin: germline. Affected: yes. Observed: 1 variant allele.